The following is an entry in ClinVar:

NM_000492.4(CFTR):c.3676A>G (p.Ile1226Val)

Genes: CFTR (CF transmembrane conductance regulator; plus strand), CFTR-AS2 (CFTR antisense RNA 2; minus strand). Cytogenetic location: 7q31.2.
Variant type: single nucleotide variant.
Coding change: c.3676A>G on transcript NM_000492.4 (MANE Select); coding-DNA position 3676, A replaced by G.
Protein change: p.Ile1226Val; replaces isoleucine 1226 with valine.
Molecular consequence: missense variant.
Genome position (GRCh38, 1-based): chr7:117,627,729, A>G. VCF-style: chr7-117627729-A-G. GRCh37 (hg19) VCF-style: chr7-117267783-A-G.
Other names: short protein forms I1226V.
Identifiers: ClinVar variation 1479202 (VCV001479202.3), dbSNP rs2116129961, ClinGen allele CA368997439.

ClinVar aggregate classification (germline): Uncertain significance (1 of 4 stars; one submission).

Conditions:
Cystic fibrosis (CF). Also called: MUCOVISCIDOSIS. Identifiers: Orphanet 586, MedGen C0010674, MONDO:0009061, OMIM 219700. Disease mechanism: loss of function.

gnomAD v4.1: 1 of 1,613,054 alleles (0.000062%); highest among the groups gnomAD compares: African/African-American, 0.0013%; no homozygotes.

Submission:

Labcorp Genetics (formerly Invitae), Labcorp
Classification: Uncertain significance for Cystic fibrosis. Last evaluated: 2021-10-24. Review status: criteria provided, single submitter. Criteria: Invitae Variant Classification Sherloc (09022015). Collection method: clinical testing. Allele origin: germline.
Comment: This sequence change replaces isoleucine with valine at codon 1226 of the CFTR protein (p.Ile1226Val). The isoleucine residue is weakly conserved and there is a small physicochemical difference between isoleucine and valine. This variant is not present in population databases (ExAC no frequency). This variant has not been reported in the literature in individuals affected with CFTR-related conditions. Algorithms developed to predict the effect of missense changes on protein structure and function output the following: SIFT: "Tolerated"; PolyPhen-2: "Benign"; Align-GVGD: "Class C0". The valine amino acid residue is found in multiple mammalian species, which suggests that this missense change does not adversely affect protein function. In summary, the available evidence is currently insufficient to determine the role of this variant in disease. Therefore, it has been classified as a Variant of Uncertain Significance.